The following is an entry in ClinVar:

NM_000083.3(CLCN1):c.2058C>G (p.Tyr686Ter)

Genes: CLCN1 (chloride voltage-gated channel 1; plus strand), LOC123956257 (Sharpr-MPRA regulatory region 4117; plus strand). Cytogenetic location: 7q34.
Variant type: single nucleotide variant.
Coding change: c.2058C>G on transcript NM_000083.3 (MANE Select); coding-DNA position 2058, C replaced by G.
Protein change: p.Tyr686Ter; replaces tyrosine 686 with a stop codon.
Molecular consequence: nonsense. On other transcripts: non-coding transcript variant (1).
Genome position (GRCh38, 1-based): chr7:143,345,648, C>G. VCF-style: chr7-143345648-C-G. GRCh37 (hg19) VCF-style: chr7-143042741-C-G.
Other names: short protein forms Y686*.
Identifiers: ClinVar variation 817516 (VCV000817516.6), dbSNP rs1417174086, ClinGen allele CA369650154.
Genomic context (GRCh38, chr7:143,345,648, plus strand): 5'-TCCTGAGCGCAGGCTGCGCGCAGCCCAAGAGATGGCGCGGAAGTTGTCGGAGCTGCCTTA[C>G]GACGGGAAGGCGCGGCTGGCTGGGGAGGGGCTCCCCGGCGCGCCTCCAGGCCGGCCCGAG-3'

ClinVar aggregate classification (germline): Pathogenic/Likely pathogenic. Review status: criteria provided, multiple submitters, no conflicts (2 of 4 stars). 4 submissions from 4 submitters: Pathogenic (3); Likely pathogenic (1). Last evaluated 2026-06-22.

Conditions:
Congenital myotonia, autosomal recessive form. Also called: Becker Generalized Myotonia; myotonia congenita, autosomal recessive; BECKER DISEASE. Identifiers: Orphanet 614, MedGen C0751360, MONDO:0009715, OMIM 255700.
Congenital myotonia, autosomal dominant form (THD). Also called: THOMSEN DISEASE; Myotonia congenita autosomal dominant. Identifiers: Orphanet 614, MedGen C2936781, MONDO:0008055, OMIM 160800.

Allele frequency attached by ClinVar (database versions not stated): gnomAD 0.00001.
gnomAD v4.1: 7 of 1,566,024 alleles (0.00045%); highest among the groups gnomAD compares: South Asian, 0.0012%; no homozygotes.

Submissions (4):

Women's Health and Genetics/Laboratory Corporation of America, LabCorp
Classification: Pathogenic for Congenital myotonia, autosomal recessive form. Last evaluated: 2026-06-22. Review status: criteria provided, single submitter. Criteria: LabCorp Variant Classification Summary - May 2015. Collection method: clinical testing. Allele origin: germline.
Comment: Variant summary: CLCN1 c.2058C>G (p.Tyr686X) results in a premature termination codon, predicted to cause a truncation of the encoded protein or absence of the protein due to nonsense mediated decay, which are commonly known mechanisms for disease. The variant allele was found at a frequency of 5.8e-06 in 173222 control chromosomes. c.2058C>G has been observed in at least one individual(s) with compound heterozygous genotype affected with CLCN1-related conditions (e.g. Modoni_2011). At least one publication reports experimental evidence demonstrating a deleterious impact on protein function. Whole-cell patch-clamp analysis of the p.Tyr686X mutant expressed in HEK293 cells showed no detectable functional chloride current, with only low-amplitude linear currents interpreted as leak current; however, a quantitative residual activity percentage was not reported (Desaphy_2013). The following publications have been ascertained in the context of this evaluation (PMID: 23933576, 21221019). ClinVar contains an entry for this variant (Variation ID: 817516). Based on the evidence outlined above, the variant was classified as pathogenic.

Labcorp Genetics (formerly Invitae), Labcorp
Classification: Pathogenic for Congenital myotonia, autosomal recessive form; Congenital myotonia, autosomal dominant form. Last evaluated: 2026-01-17. Review status: criteria provided, single submitter. Criteria: Invitae Variant Classification Sherloc (09022015). Collection method: clinical testing. Allele origin: germline.
Comment: This sequence change creates a premature translational stop signal (p.Tyr686*) in the CLCN1 gene. It is expected to result in an absent or disrupted protein product. Loss-of-function variants in CLCN1 are known to be pathogenic (PMID: 17932099, 22094069, 23739125). The frequency data for this variant in the population databases is considered unreliable, as metrics indicate poor data quality at this position in the gnomAD database. This premature translational stop signal has been observed in individual(s) with autosomal recessive myotonia congenita (PMID: 21221019). ClinVar contains an entry for this variant (Variation ID: 817516). Algorithms developed to predict the effect of variants on gene product structure and function are not available or were not evaluated for this variant. Experimental studies have shown that this premature translational stop signal affects CLCN1 function (PMID: 23933576). For these reasons, this variant has been classified as Pathogenic.

Fulgent Genetics
Classification: Pathogenic for Congenital myotonia, autosomal dominant form; Congenital myotonia, autosomal recessive form. Last evaluated: 2024-02-02. Review status: criteria provided, single submitter. Criteria: ACMG Guidelines, 2015. Collection method: clinical testing. Allele origin: germline.

GeneDx
Classification: Likely pathogenic. Last evaluated: 2019-02-20. Review status: criteria provided, single submitter. Criteria: GeneDx Variant Classification (06012015). Collection method: clinical testing. Allele origin: germline. Affected: yes.
Comment: The Y686X pathogenic variant in the CLCN1 gene has been reported previously in an individual described as having autosomal recessive myotonia congenita, but was seen with a variant that is not classified as pathogenic and segregation information was not provided (Modoni et al., 2011). This variant is predicted to cause loss of normal protein function either through protein truncation or nonsense-mediated mRNA decay. Functional studies suggested an effect of Y686X on chloride currents, but the methods used in these studies were not clearly described (Desaphy et al., 2013). The Y686X variant is not observed at a significant frequency in large population cohorts (Lek et al., 2016). We interpret Y686X as a likely pathogenic variant.

Literature cited by the submitters: PubMed 21221019 (cited by Women's Health and Genetics/Laboratory Corporation of America, LabCorp and Labcorp Genetics (formerly Invitae), Labcorp); PubMed 23933576 (cited by Women's Health and Genetics/Laboratory Corporation of America, LabCorp and Labcorp Genetics (formerly Invitae), Labcorp); PubMed 17932099 (cited by Labcorp Genetics (formerly Invitae), Labcorp); PubMed 22094069 (cited by Labcorp Genetics (formerly Invitae), Labcorp); PubMed 23739125 (cited by Labcorp Genetics (formerly Invitae), Labcorp).